The following is an entry in ClinVar:

NM_138459.5(NUS1):c.139G>A (p.Ala47Thr)

Gene: NUS1 (NUS1 dehydrodolichyl diphosphate synthase subunit; plus strand). Cytogenetic location: 6q22.1.
Variant type: single nucleotide variant.
Coding change: c.139G>A on transcript NM_138459.5 (MANE Select); coding-DNA position 139, G replaced by A.
Protein change: p.Ala47Thr; replaces alanine 47 with threonine.
Molecular consequence: missense variant.
Genome position (GRCh38, 1-based): chr6:117,675,809, G>A. VCF-style: chr6-117675809-G-A. GRCh37 (hg19) VCF-style: chr6-117996972-G-A.
Other names: short protein forms A47T.
Identifiers: ClinVar variation 4776261 (VCV004776261.1).

ClinVar aggregate classification (germline): Uncertain significance (1 of 4 stars; one submission).

Conditions:
Congenital disorder of glycosylation, type Iaa. Also called: Congenital disorder of glycosylation, type 1aa. Identifiers: MedGen C4310727, MONDO:0014904, OMIM 617082.

Submission:

Labcorp Genetics (formerly Invitae), Labcorp
Classification: Uncertain significance for Congenital disorder of glycosylation, type Iaa. Last evaluated: 2025-05-14. Review status: criteria provided, single submitter. Criteria: Invitae Variant Classification Sherloc (09022015). Collection method: clinical testing. Allele origin: germline.
Comment: This sequence change replaces alanine, which is neutral and non-polar, with threonine, which is neutral and polar, at codon 47 of the NUS1 protein (p.Ala47Thr). This variant is not present in population databases (gnomAD no frequency). This variant has not been reported in the literature in individuals affected with NUS1-related conditions. An algorithm developed to predict the effect of missense changes on protein structure and function (PolyPhen-2) suggests that this variant is likely to be tolerated. In summary, the available evidence is currently insufficient to determine the role of this variant in disease. Therefore, it has been classified as a Variant of Uncertain Significance.